The following is an entry in ClinVar:

NM_001211.6(BUB1B):c.1667G>A (p.Arg556Lys)

Gene: BUB1B (BUB1 mitotic checkpoint serine/threonine kinase B; plus strand). Cytogenetic location: 15q15.1.
Variant type: single nucleotide variant.
Coding change: c.1667G>A on transcript NM_001211.6 (MANE Select); coding-DNA position 1667, G replaced by A.
Protein change: p.Arg556Lys; replaces arginine 556 with lysine.
Molecular consequence: missense variant.
Genome position (GRCh38, 1-based): chr15:40,202,627, G>A. VCF-style: chr15-40202627-G-A. GRCh37 (hg19) VCF-style: chr15-40494828-G-A.
Other names: short protein forms R556K.
Identifiers: ClinVar variation 3483247 (VCV003483247.1).

ClinVar aggregate classification (germline): Uncertain significance (1 of 4 stars; one submission).

Conditions:
Inborn genetic diseases. Identifiers: MedGen C0950123, MeSH D030342.

gnomAD v4.1: 1 of 1,614,028 alleles (0.000062%); highest among the groups gnomAD compares: African/African-American, 0.0013%; no homozygotes.

Submission:

Ambry Genetics
Classification: Uncertain significance for Inborn genetic diseases. Last evaluated: 2024-11-28. Review status: criteria provided, single submitter. Criteria: Ambry Variant Classification Scheme 2023. Collection method: clinical testing. Allele origin: germline.
Comment: The p.R556K variant (also known as c.1667G>A), located in coding exon 14 of the BUB1B gene, results from a G to A substitution at nucleotide position 1667. The arginine at codon 556 is replaced by lysine, an amino acid with highly similar properties. This amino acid position is conserved. In addition, this alteration is predicted to be tolerated by in silico analysis. Based on the available evidence, the clinical significance of this variant remains unclear.